The following is an entry in ClinVar:

NM_001382391.1(CSPP1):c.1976-2A>G

Gene: CSPP1 (centrosome and spindle pole associated protein 1; plus strand). Cytogenetic location: 8q13.2.
Variant type: single nucleotide variant.
Coding change: c.1976-2A>G on transcript NM_001382391.1 (MANE Select); the canonical splice acceptor site of the intron before coding-DNA position 1976, A replaced by G.
Molecular consequence: splice acceptor variant. On other transcripts: intron variant (5).
Genome position (GRCh38, 1-based): chr8:67,149,781, A>G. VCF-style: chr8-67149781-A-G. GRCh37 (hg19) VCF-style: chr8-68062016-A-G.
Other names: c.1934-4243A>G (NM_001363132.2); c.1895-2A>G (NM_001363131.2); c.1853-4243A>G (NM_001363133.2); c.2042-2A>G (NM_001364869.1); c.1961-2A>G (NM_024790.7, NM_001438331.1); c.1961-4243A>G (NM_001438330.1); c.1862-2A>G (NM_001364870.1); c.1430-4243A>G (NM_001438332.1); and 1 more.
Identifiers: ClinVar variation 853035 (VCV000853035.10), dbSNP rs1320076769, ClinGen allele CA371185967.
Genomic context (GRCh38, chr8:67,149,781, plus strand): 5'-ATTTTGCATGCCAATTACAGAAATGTGTTTATTGAAATAAATGGCTTATTTTTTCCTCTC[A>G]GCTGATTTGAATAGGATGCACAGACAAAATATAGATGCCTACCATAACCCAGATGCAAGA-3'

ClinVar aggregate classification (germline): Pathogenic (1 of 4 stars; one submission).

Conditions:
Joubert syndrome 21 (JBTS21). Identifiers: MedGen C3810212, MONDO:0014288, OMIM 615636.

Allele frequency attached by ClinVar (database versions not stated): TOPMed 0.00001; gnomAD exomes below 0.00001; gnomAD 0.00002.
gnomAD v4.1: 6 of 1,531,812 alleles (0.00039%); highest among the groups gnomAD compares: Admixed American, 0.009%; no homozygotes.

Submission:

Labcorp Genetics (formerly Invitae), Labcorp
Classification: Pathogenic for Joubert syndrome 21. Last evaluated: 2022-07-04. Review status: criteria provided, single submitter. Criteria: Invitae Variant Classification Sherloc (09022015). Collection method: clinical testing. Allele origin: germline.
Comment: For these reasons, this variant has been classified as Pathogenic. Algorithms developed to predict the effect of sequence changes on RNA splicing suggest that this variant may disrupt the consensus splice site. ClinVar contains an entry for this variant (Variation ID: 853035). Disruption of this splice site has been observed in individual(s) with clinical features of Joubert syndrome (Invitae). This variant is not present in population databases (gnomAD no frequency). This sequence change affects an acceptor splice site in intron 15 of the CSPP1 gene. It is expected to disrupt RNA splicing. Variants that disrupt the donor or acceptor splice site typically lead to a loss of protein function (PMID: 16199547), and loss-of-function variants in CSPP1 are known to be pathogenic (PMID: 24360807, 24360808).

Literature cited by the submitters: PubMed 16199547; PubMed 24360807; PubMed 24360808.